The following is an entry in ClinVar:

NM_001110556.2(FLNA):c.461T>C (p.Met154Thr)

Gene: FLNA (filamin A; minus strand). Cytogenetic location: Xq28.
Variant type: single nucleotide variant.
Coding change: c.461T>C on transcript NM_001110556.2 (MANE Select); coding-DNA position 461, T replaced by C.
Protein change: p.Met154Thr; replaces methionine 154 with threonine.
Molecular consequence: missense variant.
Genome position (GRCh38, 1-based): chrX:154,368,003, A>G on the plus strand (T>C on the coding strand, the complement: FLNA is on the minus strand). VCF-style: chrX-154368003-A-G. GRCh37 (hg19) VCF-style: chrX-153596371-A-G.
Other names: c.461T>C, p.Met154Thr (NM_001456.4); short protein forms M154T.
Identifiers: ClinVar variation 435209 (VCV000435209.22), dbSNP rs782240483, ClinGen allele CA10561407.

ClinVar aggregate classification (germline): Conflicting classifications of pathogenicity. Review status: criteria provided, conflicting classifications (1 of 4 stars). 6 submissions from 6 submitters: Uncertain significance (5); Likely benign (1). Last evaluated 2026-06-09.

Conditions:
Frontometaphyseal dysplasia (FMD1). Identifiers: Orphanet 1826, MedGen C0265293, MONDO:0015942.
Melnick-Needles syndrome (MNS). Also called: MELNICK-NEEDLES OSTEODYSPLASTY; OSTEODYSPLASTY OF MELNICK AND NEEDLES; Melnick-Needles Syndrome (FLNA-MNS). Identifiers: Orphanet 2484, MedGen C0025237, MONDO:0010650, OMIM 309350.
Oto-palato-digital syndrome, type II (OPD2). Also called: OPD II SYNDROME; Otopalatodigital Syndrome Type 2 (FLNA-OPD2); FACIOPALATOOSSEOUS SYNDROME; Otopalatodigital Syndrome, Type II. Identifiers: Orphanet 669, Orphanet 90652, MedGen C1844696, MONDO:0010571, OMIM 304120.
Heterotopia, periventricular, X-linked dominant (PVNH1). Also called: PERIVENTRICULAR NODULAR HETEROTOPIA 1; X-linked periventricular heterotopia; PERIVENTRICULAR NODULAR HETEROTOPIA 4; HETEROTOPIA, PERIVENTRICULAR, 1. Identifiers: Orphanet 2149, Orphanet 82004, MedGen C1848213, MONDO:0010233, OMIM 300049.
Cardiac valvular dysplasia, X-linked (CVDPX). Also called: MYXOMATOUS VALVULAR DYSTROPHY, X-LINKED; VALVULAR HEART DISEASE, CONGENITAL; FLNA-Related X-linked Cardiac Valvular Dysplasia; Congenital valvular dysplasia; Isolated X-Linked Cardiac Valvular Dysplasia. Identifiers: Orphanet 1864, Orphanet 555877, Orphanet 75497, MedGen C0262436, MONDO:0010753, OMIM 314400.
Familial thoracic aortic aneurysm and aortic dissection (TAAD). Also called: Thoracic aortic aneurysms and dissections. Identifiers: Orphanet 91387, MedGen C4707243, MONDO:0019625.

Allele frequency attached by ClinVar (database versions not stated): gnomAD exomes 0.00001 and 0.00002; ExAC 0.00002.

Submissions (6):

Ambry Genetics
Classification: Uncertain significance for Familial thoracic aortic aneurysm and aortic dissection. Last evaluated: 2026-06-09. Review status: criteria provided, single submitter. Criteria: Ambry Variant Classification Scheme 2023. Collection method: clinical testing. Allele origin: germline.
Comment: The p.M154T variant (also known as c.461T>C), located in coding exon 2 of the FLNA gene, results from a T to C substitution at nucleotide position 461. The methionine at codon 154 is replaced by threonine, an amino acid with similar properties. This amino acid position is conserved. In addition, this alteration is predicted to be deleterious by in silico analysis. Based on the available evidence, the clinical significance of this variant remains unclear.

Labcorp Genetics (formerly Invitae), Labcorp
Classification: Likely benign for Oto-palato-digital syndrome, type II; Heterotopia, periventricular, X-linked dominant; Frontometaphyseal dysplasia; Melnick-Needles syndrome. Last evaluated: 2025-11-23. Review status: criteria provided, single submitter. Criteria: Invitae Variant Classification Sherloc (09022015). Collection method: clinical testing. Allele origin: germline.

Women's Health and Genetics/Laboratory Corporation of America, LabCorp
Classification: Uncertain significance. Last evaluated: 2024-10-20. Review status: criteria provided, single submitter. Criteria: LabCorp Variant Classification Summary - May 2015. Collection method: clinical testing. Allele origin: germline.

Centre for Mendelian Genomics, University Medical Centre Ljubljana
Classification: Uncertain significance for Cardiac valvular dysplasia, X-linked. Last evaluated: 2019-09-09. Review status: criteria provided, single submitter. Criteria: ACMG Guidelines, 2015. Collection method: clinical testing. Allele origin: unknown. Affected: yes.
Comment: This variant was classified as: Uncertain significance. The available evidence on this variant's pathogenicity is insufficient or conflicting. The following ACMG criteria were applied in classifying this variant: PP3.

GeneDx
Classification: Uncertain significance. Last evaluated: 2019-07-15. Review status: criteria provided, single submitter. Criteria: GeneDx Variant Classification Process June 2021. Collection method: clinical testing. Allele origin: germline. Affected: yes.
Comment: In silico analysis, which includes protein predictors and evolutionary conservation, supports a deleterious effect; Has not been previously published as pathogenic or benign to our knowledge

Genetic Services Laboratory, University of Chicago
Classification: Uncertain significance. Last evaluated: 2016-08-30. Review status: criteria provided, single submitter. Criteria: ACMG Guidelines, 2015. Collection method: clinical testing. Allele origin: germline. Affected: no.